The following is an entry in ClinVar:

ClinVar aggregate classification (germline): Pathogenic (1 of 4 stars; one submission).

Submission:

GeneDx
Classification: Pathogenic. Last evaluated: 2024-10-15. Review status: criteria provided, single submitter. Criteria: GeneDx Variant Classification Process June 2021. Collection method: clinical testing. Allele origin: germline. Affected: yes.
Comment: Not observed at significant frequency in large population cohorts (gnomAD); In silico analysis supports that this missense variant has a deleterious effect on protein structure/function; Has not been previously published as pathogenic or benign to our knowledge

NM_012398.3(PIP5K1C):c.700C>T (p.Arg234Cys)

Gene: PIP5K1C (phosphatidylinositol-4-phosphate 5-kinase type 1 gamma; minus strand). Cytogenetic location: 19p13.3.
Variant type: single nucleotide variant.
Coding change: c.700C>T on transcript NM_012398.3 (MANE Select); coding-DNA position 700, C replaced by T.
Protein change: p.Arg234Cys; replaces arginine 234 with cysteine.
Molecular consequence: missense variant.
Genome position (GRCh38, 1-based): chr19:3,653,511, G>A on the plus strand (C>T on the coding strand, the complement: PIP5K1C is on the minus strand). VCF-style: chr19-3653511-G-A. GRCh37 (hg19) VCF-style: chr19-3653509-G-A.
Other names: c.700C>T, p.Arg234Cys (NM_001195733.2, NM_001300849.2); short protein forms R234C.
Identifiers: ClinVar variation 3780979 (VCV003780979.1).